The following is an entry in ClinVar:

ClinVar aggregate classification (germline): Uncertain significance (1 of 4 stars; one submission).

Conditions:
Familial cold autoinflammatory syndrome 2 (FCAS2). Identifiers: Orphanet 247868, MedGen C2673198, MONDO:0012724, OMIM 611762.

Submission:

Labcorp Genetics (formerly Invitae), Labcorp
Classification: Uncertain significance for Familial cold autoinflammatory syndrome 2. Last evaluated: 2021-10-11. Review status: criteria provided, single submitter. Criteria: Invitae Variant Classification Sherloc (09022015). Collection method: clinical testing. Allele origin: germline.
Comment: In summary, the available evidence is currently insufficient to determine the role of this variant in disease. Therefore, it has been classified as a Variant of Uncertain Significance. Algorithms developed to predict the effect of missense changes on protein structure and function are either unavailable or do not agree on the potential impact of this missense change (SIFT: "Deleterious"; PolyPhen-2: "Probably Damaging"; Align-GVGD: "Class C0"). This variant has not been reported in the literature in individuals affected with NLRP12-related conditions. This variant is not present in population databases (ExAC no frequency). This sequence change replaces glycine with alanine at codon 65 of the NLRP12 protein (p.Gly65Ala). The glycine residue is highly conserved and there is a small physicochemical difference between glycine and alanine.

NM_144687.4(NLRP12):c.194G>C (p.Gly65Ala)

Gene: NLRP12 (NLR family pyrin domain containing 12; minus strand). Cytogenetic location: 19q13.42.
Variant type: single nucleotide variant.
Coding change: c.194G>C on transcript NM_144687.4 (MANE Select); coding-DNA position 194, G replaced by C.
Protein change: p.Gly65Ala; replaces glycine 65 with alanine.
Molecular consequence: missense variant.
Genome position (GRCh38, 1-based): chr19:53,823,981, C>G on the plus strand (G>C on the coding strand, the complement: NLRP12 is on the minus strand). VCF-style: chr19-53823981-C-G. GRCh37 (hg19) VCF-style: chr19-54327235-C-G.
Other names: c.194G>C, p.Gly65Ala (NM_001277126.2, NM_001277129.1); short protein forms G65A.
Identifiers: ClinVar variation 1479976 (VCV001479976.6), dbSNP rs2122811779, ClinGen allele CA407419131.
Genomic context (GRCh38, chr19:53,823,981, plus strand): 5'-AGGTCCTTCCTGTTTATCCGCTCAAAGGTGCTGAGAGCCAACCTCCAGGCCTCCTCTGGC[C>G]CGAAGTGGGTGATGAGCAGCTGGGCCATTTCCAGGGGACCGGCCTTCTCCATGCTTCCCC-3'
Protein context (NP_653288.1, residues 55-75): EMAQLLITHF[Gly65Ala]PEEAWRLALS